The following is an entry in ClinVar:

NM_001160148.2(DDHD1):c.1013-2702C>T

Gene: DDHD1 (DDHD domain containing 1; minus strand). Cytogenetic location: 14q22.1.
Variant type: single nucleotide variant.
Coding change: c.1013-2702C>T on transcript NM_001160148.2 (MANE Select); 2702 bases into the intron before coding-DNA position 1013, C replaced by T.
Molecular consequence: intron variant.
Genome position (GRCh38, 1-based): chr14:53,096,146, G>A on the plus strand (C>T on the coding strand, the complement: DDHD1 is on the minus strand). VCF-style: chr14-53096146-G-A. GRCh37 (hg19) VCF-style: chr14-53562864-G-A.
Other names: c.1013-2702C>T (NM_030637.3); c.1034-2702C>T (NM_001160147.2).
Identifiers: ClinVar variation 4821831 (VCV004821831.4).

ClinVar aggregate classification (germline): Likely benign (1 of 4 stars; one submission).

gnomAD v4.1: 6,265 of 985,048 alleles (0.64%); highest among the groups gnomAD compares: Non-Finnish European, 0.7%; 19 homozygotes.

Submission:

CeGaT Center for Human Genetics Tuebingen
Classification: Likely benign. Last evaluated: 2026-09-01. Review status: criteria provided, single submitter. Criteria: CeGaT Center For Human Genetics Tuebingen Variant Classification Criteria Version 2. Collection method: clinical testing. Allele origin: germline. Affected: yes. Observed: 5 variant alleles.
Comment: DDHD1: BS2